The following is an entry in ClinVar:

NM_001267550.2(TTN):c.31513+5A>G

Gene: TTN (titin; minus strand). Cytogenetic location: 2q31.2.
Variant type: single nucleotide variant.
Coding change: c.31513+5A>G on transcript NM_001267550.2 (MANE Select); 5 bases into the intron after coding-DNA position 31513, A replaced by G.
Molecular consequence: intron variant.
Genome position (GRCh38, 1-based): chr2:178,693,917, T>C on the plus strand (A>G on the coding strand, the complement: TTN is on the minus strand). VCF-style: chr2-178693917-T-C. GRCh37 (hg19) VCF-style: chr2-179558644-T-C.
Other names: c.13282+44165A>G (NM_003319.4); c.13858+44165A>G (NM_133437.4); c.13657+44165A>G (NM_133432.3); c.27781+5A>G (NM_133378.4); c.30562+5A>G (NM_001256850.1).
Identifiers: ClinVar variation 5039891 (VCV005039891.1).

ClinVar aggregate classification (germline): Likely benign (1 of 4 stars; one submission).

gnomAD v4.1: 9 of 1,612,228 alleles (0.00056%); highest among the groups gnomAD compares: Admixed American, 0.015%; no homozygotes.

Submission:

CeGaT Center for Human Genetics Tuebingen
Classification: Likely benign. Last evaluated: 2026-07-01. Review status: criteria provided, single submitter. Criteria: CeGaT Center For Human Genetics Tuebingen Variant Classification Criteria Version 2. Collection method: clinical testing. Allele origin: germline. Affected: yes. Observed: 1 variant allele.
Comment: TTN: BP4